The following is an entry in ClinVar:

NM_000535.7(PMS2):c.2552_2553del (p.Arg851fs)

Gene: PMS2 (PMS1 homolog 2, mismatch repair system component; minus strand). Cytogenetic location: 7p22.1.
Variant type: Microsatellite.
Coding change: c.2552_2553del on transcript NM_000535.7 (MANE Select); coding-DNA positions 2552 to 2553, 2 bases deleted (GA; older notation c.2552_2553delGA).
Protein change: p.Arg851fs; shifts the reading frame from arginine 851.
Molecular consequence: frameshift variant. On other transcripts: non-coding transcript variant (1).
Genome position (GRCh38, 1-based): chr7:5,973,435-5,973,436, TC deleted on the plus strand (GA on the coding strand, the reverse complement: PMS2 is on the minus strand); deleting any 2 consecutive bases within chr7:5,973,435-5,973,438 gives the same sequence; the c. name uses the placement nearest the transcript's 3' end. VCF-style (leftmost placement, unchanged base first): chr7-5973434-GTC-G. GRCh37 (hg19) VCF-style: chr7-6013065-GTC-G.
Other names: c.2550_2551GA[1], p.Arg851Thrfs (NM_000535.5); c.2145_2146GA[1], p.Arg716Thrfs (NM_001018040.1, NM_001406889.1, NM_001406890.1 and 9 more transcripts); c.2147_2148del, p.Arg716fs (NM_001322003.2, NM_001322004.2, NM_001322005.2); c.2396_2397del, p.Arg799fs (NM_001322006.2); c.2234_2235del, p.Arg745fs (NM_001322007.2, NM_001322008.2); c.2180_2181del, p.Arg727fs (NM_001322009.2); c.1991_1992del, p.Arg664fs (NM_001322010.2); c.1619_1620del, p.Arg540fs (NM_001322011.2, NM_001322012.2); and 28 more; short protein forms R716fs, R727fs, R748fs, R851fs, R540fs, R664fs, R660fs, R745fs.
Identifiers: ClinVar variation 1792963 (VCV001792963.4), dbSNP rs2128657156, ClinGen allele CA2580615839.

ClinVar aggregate classification (germline): Uncertain significance. Review status: criteria provided, multiple submitters, no conflicts (2 of 4 stars). 2 submissions from 2 submitters: Uncertain significance (2). Last evaluated 2024-04-11.

Conditions:
Hereditary cancer-predisposing syndrome. Also called: Tumor predisposition; Hereditary Cancer Syndrome; Neoplastic Syndromes, Hereditary; Hereditary neoplastic syndrome. Identifiers: Orphanet 140162, MedGen C0027672, MeSH D009386, MONDO:0015356.
Hereditary nonpolyposis colorectal neoplasms. Identifiers: MedGen C0009405, MeSH D003123.

Submissions (2):

Labcorp Genetics (formerly Invitae), Labcorp
Classification: Uncertain significance for Hereditary nonpolyposis colorectal neoplasms. Last evaluated: 2024-04-11. Review status: criteria provided, single submitter. Criteria: Invitae Variant Classification Sherloc (09022015). Collection method: clinical testing. Allele origin: germline.
Comment: This sequence change results in a frameshift in the PMS2 gene (p.Arg851Thrfs*36). While this is not anticipated to result in nonsense mediated decay, it is expected to disrupt the last 12 amino acid(s) of the PMS2 protein and extend the protein by 23 additional amino acid residues. The frequency data for this variant in the population databases (gnomAD) is considered unreliable due to the presence of homologous sequence, such as pseudogenes or paralogs, in the genome. This variant has not been reported in the literature in individuals affected with PMS2-related conditions. ClinVar contains an entry for this variant (Variation ID: 1792963). This variant disrupts a region of the PMS2 protein in which other variant(s) (p.His852Glnfs*36) have been observed in individuals with PMS2-related conditions (Invitae). This suggests that this is a clinically significant region of the protein, and that variants that disrupt it are likely to be disease-causing. In summary, the available evidence is currently insufficient to determine the role of this variant in disease. Therefore, it has been classified as a Variant of Uncertain Significance.

Ambry Genetics
Classification: Uncertain significance for Hereditary cancer-predisposing syndrome. Last evaluated: 2021-10-05. Review status: criteria provided, single submitter. Criteria: Ambry Variant Classification Scheme 2023. Collection method: clinical testing. Allele origin: germline.
Comment: The c.2552_2553delGA variant, located in coding exon 15 of the PMS2 gene, results from a deletion of two nucleotides at nucleotide positions 2552 to 2553, causing a translational frameshift with a predicted alternate stop codon (p.R851Tfs*36). This alteration occurs at the 3' terminus of thePMS2 gene, is not expected to trigger nonsense-mediated mRNAdecay and results in the elongation of the protein by 24 amino acids. This frameshift impacts the last 12amino acids of the native protein. The exact functional effect of the altered amino acids is unknown. Based on internal structural analysis, c.2552_2553delGA is deleterious and disrupts a significant portion of the interface with MLH1. Since supporting evidence is limited at this time, the clinical significance of this alteration remains unclear.